The following is an entry in ClinVar:

NM_001367624.2(ZNF469):c.2644G>A (p.Gly882Arg)

Gene: ZNF469 (zinc finger protein 469; plus strand). Cytogenetic location: 16q24.2.
Variant type: single nucleotide variant.
Coding change: c.2644G>A on transcript NM_001367624.2 (MANE Select); coding-DNA position 2644, G replaced by A.
Protein change: p.Gly882Arg; replaces glycine 882 with arginine.
Molecular consequence: missense variant.
Genome position (GRCh38, 1-based): chr16:88,430,114, G>A. VCF-style: chr16-88430114-G-A. GRCh37 (hg19) VCF-style: chr16-88496522-G-A.
Other names: NM_001127464.1:c.2644G>A; short protein forms G882R.
Identifiers: ClinVar variation 1794230 (VCV001794230.24), dbSNP rs1024155646, ClinGen allele CA286373880.

ClinVar aggregate classification (germline): Uncertain significance. Review status: criteria provided, multiple submitters, no conflicts (2 of 4 stars). 2 submissions from 2 submitters: Uncertain significance (2). Last evaluated 2024-02-01.

Conditions:
Cardiovascular phenotype. Identifiers: MedGen CN230736.

gnomAD v4.1: 5 of 1,550,216 alleles (0.00032%); highest among the groups gnomAD compares: African/African-American, 0.0014%; no homozygotes.

Submissions (2):

CeGaT Center for Human Genetics Tuebingen
Classification: Uncertain significance. Last evaluated: 2024-02-01. Review status: criteria provided, single submitter. Criteria: CeGaT Center For Human Genetics Tuebingen Variant Classification Criteria Version 2. Collection method: clinical testing. Allele origin: germline. Affected: yes. Observed: 1 variant allele.
Comment: ZNF469: PM2, BP4

Ambry Genetics
Classification: Uncertain significance for Cardiovascular phenotype. Last evaluated: 2023-12-29. Review status: criteria provided, single submitter. Criteria: Ambry Variant Classification Scheme 2023. Collection method: clinical testing. Allele origin: germline.
Comment: The p.G882R variant (also known as c.2644G>A), located in coding exon 1 of the ZNF469 gene, results from a G to A substitution at nucleotide position 2644. The glycine at codon 882 is replaced by arginine, an amino acid with dissimilar properties. This amino acid position is conserved. In addition, this alteration is predicted to be tolerated by in silico analysis. Since supporting evidence is limited at this time, the clinical significance of this alteration remains unclear.